The following is an entry in ClinVar:

ClinVar aggregate classification (germline): Uncertain significance (1 of 4 stars; one submission).

Conditions:
Combined immunodeficiency due to LRBA deficiency. Also called: Common variable immunodeficiency 8, with autoimmunity. Identifiers: Orphanet 445018, MedGen C3553512, MONDO:0013863, OMIM 614700.

Allele frequency attached by ClinVar (database versions not stated): gnomAD 0.00001 and 0.00002; gnomAD exomes 0.00002 and 0.00003; ExAC 0.00003; 1000 Genomes Project 30x 0.00016; 1000 Genomes Project 0.00020.
gnomAD v4.1: 30 of 1,598,250 alleles (0.0019%); highest among the groups gnomAD compares: African/African-American, 0.004%; no homozygotes.

Submission:

Labcorp Genetics (formerly Invitae), Labcorp
Classification: Uncertain significance for Combined immunodeficiency due to LRBA deficiency. Last evaluated: 2022-05-12. Review status: criteria provided, single submitter. Criteria: Invitae Variant Classification Sherloc (09022015). Collection method: clinical testing. Allele origin: germline.
Comment: This sequence change replaces arginine, which is basic and polar, with cysteine, which is neutral and slightly polar, at codon 2182 of the LRBA protein (p.Arg2182Cys). This variant is present in population databases (rs541771508, gnomAD 0.03%). This variant has not been reported in the literature in individuals affected with LRBA-related conditions. ClinVar contains an entry for this variant (Variation ID: 856886). Algorithms developed to predict the effect of missense changes on protein structure and function are either unavailable or do not agree on the potential impact of this missense change (SIFT: "Deleterious"; PolyPhen-2: "Benign"; Align-GVGD: "Class C0"). In summary, the available evidence is currently insufficient to determine the role of this variant in disease. Therefore, it has been classified as a Variant of Uncertain Significance.

NM_001364905.1(LRBA):c.6511C>T (p.Arg2171Cys)

Gene: LRBA (LPS responsive beige-like anchor protein; minus strand). Cytogenetic location: 4q31.3.
Variant type: single nucleotide variant.
Coding change: c.6511C>T on transcript NM_001364905.1 (MANE Select); coding-DNA position 6511, C replaced by T.
Protein change: p.Arg2171Cys; replaces arginine 2171 with cysteine.
Molecular consequence: missense variant.
Genome position (GRCh38, 1-based): chr4:150,487,772, G>A on the plus strand (C>T on the coding strand, the complement: LRBA is on the minus strand). VCF-style: chr4-150487772-G-A. GRCh37 (hg19) VCF-style: chr4-151408924-G-A.
Other names: c.6511C>T, p.Arg2171Cys (NM_001199282.3, NM_001367550.1); c.6544C>T, p.Arg2182Cys (NM_006726.5); short protein forms R2182C, R2171C.
Identifiers: ClinVar variation 856886 (VCV000856886.5), dbSNP rs541771508, ClinGen allele CA3101906.